The following is an entry in ClinVar:

ClinVar aggregate classification (germline): Uncertain significance (1 of 4 stars; one submission).

Submission:

Labcorp Genetics (formerly Invitae), Labcorp
Classification: Uncertain significance. Last evaluated: 2023-01-22. Review status: criteria provided, single submitter. Criteria: Invitae Variant Classification Sherloc (09022015). Collection method: clinical testing. Allele origin: germline.
Comment: This sequence change replaces proline, which is neutral and non-polar, with serine, which is neutral and polar, at codon 497 of the COL9A2 protein (p.Pro497Ser). This variant is not present in population databases (gnomAD no frequency). This variant has not been reported in the literature in individuals affected with COL9A2-related conditions. Advanced modeling of protein sequence and biophysical properties (such as structural, functional, and spatial information, amino acid conservation, physicochemical variation, residue mobility, and thermodynamic stability) performed at Invitae indicates that this missense variant is not expected to disrupt COL9A2 protein function. In summary, the available evidence is currently insufficient to determine the role of this variant in disease. Therefore, it has been classified as a Variant of Uncertain Significance.

NM_001852.4(COL9A2):c.1489C>T (p.Pro497Ser)

Gene: COL9A2 (collagen type IX alpha 2 chain; minus strand). Cytogenetic location: 1p34.2.
Variant type: single nucleotide variant.
Coding change: c.1489C>T on transcript NM_001852.4 (MANE Select); coding-DNA position 1489, C replaced by T.
Protein change: p.Pro497Ser; replaces proline 497 with serine.
Molecular consequence: missense variant.
Genome position (GRCh38, 1-based): chr1:40,303,589, G>A on the plus strand (C>T on the coding strand, the complement: COL9A2 is on the minus strand). VCF-style: chr1-40303589-G-A. GRCh37 (hg19) VCF-style: chr1-40769261-G-A.
Other names: short protein forms P497S.
Identifiers: ClinVar variation 2828880 (VCV002828880.3), dbSNP rs2522487894, ClinGen allele CA339878232.